The following is an entry in ClinVar:

NM_006031.6(PCNT):c.6150+11_6150+190del

Gene: PCNT (pericentrin; plus strand). Cytogenetic location: 21q22.3.
Variant type: Deletion.
Coding change: c.6150+11_6150+190del on transcript NM_006031.6 (MANE Select); bases 11 to 190 of the intron after coding-DNA position 6150, 180 bases deleted.
Molecular consequence: splice donor variant.
Genome position (GRCh38, 1-based): chr21:46,413,003-46,413,182, 180 bases deleted. GRCh37 (hg19): chr21:47,832,917-47,833,096.
Other names: c.5796+11_5796+190del (NM_001315529.2).
Identifiers: ClinVar variation 3046018 (VCV003046018.2), dbSNP rs2086841079, ClinGen allele CA638499718.

ClinVar aggregate classification (germline): Likely benign (0 of 4 stars; one submission).

Conditions:
PCNT-related disorder. Also called: PCNT-related condition.

Submission:

PreventionGenetics, part of Exact Sciences
Classification: Likely benign for PCNT-related condition. Last evaluated: 2021-06-16. Review status: no assertion criteria provided. Collection method: clinical testing. Allele origin: germline.
Comment: This variant is classified as likely benign based on ACMG/AMP sequence variant interpretation guidelines (Richards et al. 2015 PMID: 25741868, with internal and published modifications).